The following is an entry in ClinVar:

ClinVar aggregate classification (germline): Uncertain significance. Review status: criteria provided, multiple submitters, no conflicts (2 of 4 stars). 2 submissions from 2 submitters: Uncertain significance (2). Last evaluated 2022-07-26.

Conditions:
Joubert syndrome 17 (JBTS17). Identifiers: Orphanet 475, MedGen C3553264, MONDO:0013824, OMIM 614615.

Allele frequency attached by ClinVar (database versions not stated): ExAC 0.00002; TOPMed 0.00003; gnomAD 0.00004 and 0.00005; gnomAD exomes 0.00004 and 0.00009.
gnomAD v4.1: 128 of 1,613,782 alleles (0.0079%); highest among the groups gnomAD compares: Non-Finnish European, 0.011%; no homozygotes.

Submissions (2):

Labcorp Genetics (formerly Invitae), Labcorp
Classification: Uncertain significance. Last evaluated: 2022-07-26. Review status: criteria provided, single submitter. Criteria: Invitae Variant Classification Sherloc (09022015). Collection method: clinical testing. Allele origin: germline.
Comment: This sequence change replaces methionine, which is neutral and non-polar, with isoleucine, which is neutral and non-polar, at codon 2588 of the CPLANE1 protein (p.Met2588Ile). This variant is present in population databases (rs760750533, gnomAD 0.008%). This variant has not been reported in the literature in individuals affected with CPLANE1-related conditions. ClinVar contains an entry for this variant (Variation ID: 905231). Advanced modeling of protein sequence and biophysical properties (such as structural, functional, and spatial information, amino acid conservation, physicochemical variation, residue mobility, and thermodynamic stability) performed at Invitae indicates that this missense variant is not expected to disrupt CPLANE1 protein function. In summary, the available evidence is currently insufficient to determine the role of this variant in disease. Therefore, it has been classified as a Variant of Uncertain Significance.

Illumina Laboratory Services, Illumina
Classification: Uncertain significance for Joubert syndrome 17. Last evaluated: 2018-01-13. Review status: criteria provided, single submitter. Criteria: ICSL Variant Classification Criteria 13 December 2019. Collection method: clinical testing. Allele origin: germline.

NM_001384732.1(CPLANE1):c.7764G>A (p.Met2588Ile)

Gene: CPLANE1 (ciliogenesis and planar polarity effector complex subunit 1; minus strand). Cytogenetic location: 5p13.2.
Variant type: single nucleotide variant.
Coding change: c.7764G>A on transcript NM_001384732.1 (MANE Select); coding-DNA position 7764, G replaced by A.
Protein change: p.Met2588Ile; replaces methionine 2588 with isoleucine.
Molecular consequence: missense variant.
Genome position (GRCh38, 1-based): chr5:37,158,272, C>T on the plus strand (G>A on the coding strand, the complement: CPLANE1 is on the minus strand). VCF-style: chr5-37158272-C-T. GRCh37 (hg19) VCF-style: chr5-37158374-C-T.
Other names: c.7764G>A, p.Met2588Ile (NM_023073.4); short protein forms M2588I.
Identifiers: ClinVar variation 905231 (VCV000905231.8), dbSNP rs760750533, ClinGen allele CA3237954.